The following is an entry in ClinVar:

NM_000179.3(MSH6):c.1809G>A (p.Lys603=)

Gene: MSH6 (mutS homolog 6; plus strand). Cytogenetic location: 2p16.3.
Variant type: single nucleotide variant.
Coding change: c.1809G>A on transcript NM_000179.3 (MANE Select); coding-DNA position 1809, G replaced by A.
Protein change: p.Lys603=; no amino-acid change (lysine 603 retained).
Molecular consequence: synonymous variant.
Genome position (GRCh38, 1-based): chr2:47,799,792, G>A. VCF-style: chr2-47799792-G-A. GRCh37 (hg19) VCF-style: chr2-48026931-G-A.
Other names: c.1419G>A, p.Lys473= (NM_001281492.2); c.903G>A, p.Lys301= (NM_001281493.2, NM_001281494.2).
Identifiers: ClinVar variation 234005 (VCV000234005.16), dbSNP rs876660790, ClinGen allele CA10578078.

ClinVar aggregate classification (germline): Benign/Likely benign. Review status: criteria provided, multiple submitters, no conflicts (2 of 4 stars). 4 submissions from 4 submitters: Benign (2); Likely benign (2). Last evaluated 2024-12-27.

Conditions:
Lynch syndrome 5 (LYNCH5). Also called: Colorectal cancer, hereditary nonpolyposis, type 5; Hereditary non-polyposis colorectal cancer, type 5. Identifiers: Orphanet 144, MedGen C1833477, MONDO:0013710, OMIM 614350. Disease mechanism: loss of function.
Hereditary nonpolyposis colorectal neoplasms. Identifiers: MedGen C0009405, MeSH D003123.
Hereditary cancer-predisposing syndrome. Also called: Neoplastic Syndromes, Hereditary; Tumor predisposition; Hereditary Cancer Syndrome; Hereditary neoplastic syndrome. Identifiers: Orphanet 140162, MedGen C0027672, MeSH D009386, MONDO:0015356.
Lynch syndrome. Identifiers: Orphanet 144, MedGen C4552100, MONDO:0005835. Disease mechanism: loss of function.

Allele frequency attached by ClinVar (database versions not stated): TOPMed below 0.00001; gnomAD 0.00001.
gnomAD v4.1: 1 of 1,614,030 alleles (0.000062%); highest among the groups gnomAD compares: Non-Finnish European, 0.000085%; no homozygotes.

Submissions (4):

Myriad Genetics, Inc.
Classification: Benign for Lynch syndrome 5. Last evaluated: 2024-12-27. Review status: criteria provided, single submitter. Criteria: Myriad Autosomal Dominant, Autosomal Recessive and X-Linked Classification Criteria (2023). Collection method: clinical testing. Allele origin: unknown.
Comment: This variant is considered benign. This variant is a silent/synonymous amino acid change and it is not expected to impact splicing.

Labcorp Genetics (formerly Invitae), Labcorp
Classification: Likely benign for Hereditary nonpolyposis colorectal neoplasms. Last evaluated: 2018-07-03. Review status: criteria provided, single submitter. Criteria: Invitae Variant Classification Sherloc (09022015). Collection method: clinical testing. Allele origin: germline.

University of Washington Department of Laboratory Medicine, University of Washington
Classification: Benign for Lynch syndrome. Last evaluated: 2018-05-01. Review status: criteria provided, single submitter. Criteria: Shirts BH et al. (Am J Hum Genet 2018). Collection method: clinical testing. Allele origin: somatic. Affected: yes.
Comment: MSH6 NM_000179.2:c.1809G>A has a 0.9% probability of pathogenicity based on combining prior probability from public data with a likelihood ratio of 0.16 to 1, generated from evidence of seeing this as a somatic mutation in a tumor with loss of heterozygosity at the MSH6 locus. See Shirts et al 2018, PMID 29887214.

Ambry Genetics
Classification: Likely benign for Hereditary cancer-predisposing syndrome. Last evaluated: 2015-09-11. Review status: criteria provided, single submitter. Criteria: Ambry Variant Classification Scheme 2023. Collection method: clinical testing. Allele origin: germline.